The following is an entry in ClinVar:

NM_004336.5(BUB1):c.1444G>C (p.Asp482His)

Gene: BUB1 (BUB1 mitotic checkpoint serine/threonine kinase; minus strand). Cytogenetic location: 2q13.
Variant type: single nucleotide variant.
Coding change: c.1444G>C on transcript NM_004336.5 (MANE Select); coding-DNA position 1444, G replaced by C.
Protein change: p.Asp482His; replaces aspartic acid 482 with histidine.
Molecular consequence: missense variant.
Genome position (GRCh38, 1-based): chr2:110,658,482, C>G on the plus strand (G>C on the coding strand, the complement: BUB1 is on the minus strand). VCF-style: chr2-110658482-C-G. GRCh37 (hg19) VCF-style: chr2-111416059-C-G.
Other names: c.1384G>C, p.Asp462His (NM_001278616.2); c.1444G>C, p.Asp482His (NM_001278617.2); short protein forms D482H, D462H.
Identifiers: ClinVar variation 3262165 (VCV003262165.1).

ClinVar aggregate classification (germline): Uncertain significance (1 of 4 stars; one submission).

gnomAD v4.1: 2 of 1,614,028 alleles (0.00012%); highest among the groups gnomAD compares: Non-Finnish European, 0.00017%; no homozygotes.

Submission:

Ambry Genetics
Classification: Uncertain significance. Last evaluated: 2024-05-25. Review status: criteria provided, single submitter. Criteria: Ambry Variant Classification Scheme 2023. Collection method: clinical testing. Allele origin: germline.
Comment: The p.D482H variant (also known as c.1444G>C), located in coding exon 13 of the BUB1 gene, results from a G to C substitution at nucleotide position 1444. The aspartic acid at codon 482 is replaced by histidine, an amino acid with similar properties. This amino acid position is conserved. In addition, this alteration is predicted to be tolerated by in silico analysis. Based on the available evidence, the clinical significance of this variant remains unclear.